The following is an entry in ClinVar:

NM_004612.4(TGFBR1):c.*3550del

Gene: TGFBR1 (transforming growth factor beta receptor 1; plus strand). Cytogenetic location: 9q22.33.
Variant type: Deletion.
Coding change: c.*3550del on transcript NM_004612.4 (MANE Select); 3550 bases downstream of the stop codon, one base deleted (G; older notation c.*3550delG).
Molecular consequence: 3 prime UTR variant. On other transcripts: non-coding transcript variant (4).
Genome position (GRCh38, 1-based): chr9:99,152,855, G deleted; the last of 3 consecutive G bases (chr9:99,152,853-99,152,855); deleting any one gives the same sequence. VCF-style (leftmost placement, unchanged base first): chr9-99152852-TG-T. GRCh37 (hg19) VCF-style: chr9-101915134-TG-T.
Other names: c.*3550del (NM_001130916.3, NM_001306210.2, NM_001407416.1 and 20 more transcripts).
Identifiers: ClinVar variation 4883878 (VCV004883878.2).

ClinVar aggregate classification (germline): Uncertain significance (1 of 4 stars; one submission).

Submission:

Dasa
Classification: Uncertain significance. Last evaluated: 2026-04-06. Review status: criteria provided, single submitter. Criteria: DASA Assertion Criteria. Collection method: clinical testing. Allele origin: germline.
Comment: NM_004612.4(TGFBR1):c.*3550del is a sequence variant. This variant is rare in population databases. The currently available literature and clinical evidence are not sufficient to establish a definitive association between this variant and the reported condition. Therefore, this variant is classified as a variant of uncertain significance.